The following is an entry in ClinVar:

NM_001852.4(COL9A2):c.1859C>T (p.Pro620Leu)

Gene: COL9A2 (collagen type IX alpha 2 chain; minus strand). Cytogenetic location: 1p34.2.
Variant type: single nucleotide variant.
Coding change: c.1859C>T on transcript NM_001852.4 (MANE Select); coding-DNA position 1859, C replaced by T.
Protein change: p.Pro620Leu; replaces proline 620 with leucine.
Molecular consequence: missense variant.
Genome position (GRCh38, 1-based): chr1:40,301,823, G>A on the plus strand (C>T on the coding strand, the complement: COL9A2 is on the minus strand). VCF-style: chr1-40301823-G-A. GRCh37 (hg19) VCF-style: chr1-40767495-G-A.
Other names: short protein forms P620L.
Identifiers: ClinVar variation 1254289 (VCV001254289.5), dbSNP rs774470944, ClinGen allele CA791304.

ClinVar aggregate classification (germline): Uncertain significance. Review status: criteria provided, multiple submitters, no conflicts (2 of 4 stars). 3 submissions from 3 submitters: Uncertain significance (3). Last evaluated 2026-01-12.

Allele frequency attached by ClinVar (database versions not stated): ExAC 0.00001; gnomAD 0.00001 and 0.00002; gnomAD exomes 0.00002 and 0.00003; TOPMed 0.00003.
gnomAD v4.1: 48 of 1,613,870 alleles (0.003%); highest among the groups gnomAD compares: Non-Finnish European, 0.004%; no homozygotes.

Submissions (3):

Labcorp Genetics (formerly Invitae), Labcorp
Classification: Uncertain significance. Last evaluated: 2026-01-12. Review status: criteria provided, single submitter. Criteria: Invitae Variant Classification Sherloc (09022015). Collection method: clinical testing. Allele origin: germline.
Comment: This sequence change replaces proline, which is neutral and non-polar, with leucine, which is neutral and non-polar, at codon 620 of the COL9A2 protein (p.Pro620Leu). This variant is present in population databases (rs774470944, gnomAD 0.005%). This variant has not been reported in the literature in individuals affected with COL9A2-related conditions. ClinVar contains an entry for this variant (Variation ID: 1254289). Invitae Evidence Modeling of protein sequence and biophysical properties (such as structural, functional, and spatial information, amino acid conservation, physicochemical variation, residue mobility, and thermodynamic stability) indicates that this missense variant is not expected to disrupt COL9A2 protein function with a negative predictive value of 95%. In summary, the available evidence is currently insufficient to determine the role of this variant in disease. Therefore, it has been classified as a Variant of Uncertain Significance.

Blueprint Genetics
Classification: Uncertain significance. Last evaluated: 2023-10-23. Review status: criteria provided, single submitter. Criteria: ACMG Guidelines, 2015. Collection method: clinical testing. Allele origin: germline.

GeneDx
Classification: Uncertain significance. Last evaluated: 2021-04-28. Review status: criteria provided, single submitter. Criteria: GeneDx Variant Classification Process June 2021. Collection method: clinical testing. Allele origin: germline. Affected: yes.
Comment: Has not been previously published as pathogenic or benign to our knowledge; Not observed at a significant frequency in large population cohorts (Lek et al., 2016); In silico analysis, which includes protein predictors and evolutionary conservation, supports a deleterious effect